The following is an entry in ClinVar:

NM_001111125.3(IQSEC2):c.828dup (p.Ser277fs)

Gene: IQSEC2 (IQ motif and Sec7 domain ArfGEF 2; minus strand). Cytogenetic location: Xp11.22.
Variant type: Duplication.
Coding change: c.828dup on transcript NM_001111125.3 (MANE Select); coding-DNA position 828, one base duplicated (C; older notation c.828dupC).
Protein change: p.Ser277fs; shifts the reading frame from serine 277.
Molecular consequence: frameshift variant.
Genome position (GRCh38, 1-based): chrX:53,255,971, G duplicated on the plus strand (C on the coding strand, the reverse complement: IQSEC2 is on the minus strand); the first of 6 consecutive G bases (chrX:53,255,971-53,255,976); duplicating any one gives the same sequence. VCF-style (leftmost placement, unchanged base first): chrX-53255970-A-AG. GRCh37 (hg19) VCF-style: chrX-53285152-A-AG.
Other names: c.828dup, p.Ser277fs (NM_001410736.1, NM_001441092.1); c.330dup, p.Ser111fs (NM_001441093.1); c.117dup, p.Ser40fs (NM_001441094.1, NM_001441095.1); c.213dup, p.Ser72fs (NM_015075.2); short protein forms S111fs, S277fs, S40fs, S72fs.
Identifiers: ClinVar variation 4854638 (VCV004854638.1).
Genomic context (GRCh38, chrX:53,255,970, plus strand): 5'-GTGCCCGCTGAGCCCAGGGAAGGCCCACTCCAGCAGGGGGGCCCCCCATGTGGCTGCTGG[A>AG]GGGGGGCAGCTGGCTCAGCCGGTAGGGGGGTTGGCTCCCAGGACTATCAACCGCTGTGCT-3'

ClinVar aggregate classification (germline): Likely pathogenic (1 of 4 stars; one submission).

Conditions:
Intellectual developmental disorder, X-linked 1. Also called: Atkin Flaitz Patil Smith syndrome; MENTAL RETARDATION, X-LINKED 18; MENTAL RETARDATION, X-LINKED 78; Intellectual disability, X-linked 1. Identifiers: Orphanet 777, MedGen C2931498, MONDO:0010656, OMIM 309530.

Submission:

3billion
Classification: Likely pathogenic for Intellectual developmental disorder, X-linked 1. Last evaluated: 2025-12-02. Review status: criteria provided, single submitter. Criteria: ACMG Guidelines, 2015. Collection method: clinical testing. Allele origin: germline. Affected: yes.
Comment: The variant is not observed in the gnomAD v4.1.0 dataset. Predicted Consequence/Location: Frameshift: predicted to result in a loss or disruption of normal protein function through nonsense-mediated decay (NMD) or protein truncation. Multiple pathogenic variants are reported downstream of the variant. Therefore, this variant is classified as Likely pathogenic according to the recommendation of ACMG/AMP guideline.